The following is an entry in ClinVar:

ClinVar aggregate classification (germline): Likely pathogenic (1 of 4 stars; one submission).

Conditions:
Deficiency of alpha-mannosidase (MANSA). Also called: Mannosidosis, alpha-, types I and II; LYSOSOMAL ALPHA-D-MANNOSIDASE DEFICIENCY; Alpha-Mannosidosis. Identifiers: Orphanet 61, MedGen C0024748, MONDO:0009561, OMIM 248500.

Submission:

Myriad Genetics, Inc.
Classification: Likely pathogenic for Deficiency of alpha-mannosidase. Last evaluated: 2021-12-09. Review status: criteria provided, single submitter. Criteria: Myriad Women's Health Autosomal Recessive and X-Linked Classification Criteria (2021). Collection method: clinical testing. Allele origin: unknown.
Comment: NM_000528.3(MAN2B1):c.2199delT(F733Lfs*33) is expected to be pathogenic in the context of alpha-mannosidosis. This variant is predicted to lead to an abnormal or absent protein product due to the creation of a premature termination codon in MAN2B1, a gene where loss-of-function variants are known to be pathogenic. Please note: this variant was assessed in the context of healthy population screening.

NM_000528.4(MAN2B1):c.2199del (p.Phe733fs)

Gene: MAN2B1 (mannosidase alpha class 2B member 1; minus strand). Cytogenetic location: 19p13.13.
Variant type: Deletion.
Coding change: c.2199del on transcript NM_000528.4 (MANE Select); coding-DNA position 2199, one base deleted (T; older notation c.2199delT).
Protein change: p.Phe733fs; shifts the reading frame from phenylalanine 733.
Molecular consequence: frameshift variant.
Genome position (GRCh38, 1-based): chr19:12,649,981, A deleted on the plus strand (T on the coding strand, the reverse complement: MAN2B1 is on the minus strand); the first of 4 consecutive A bases (chr19:12,649,981-12,649,984); deleting any one gives the same sequence. VCF-style (leftmost placement, unchanged base first): chr19-12649980-CA-C. GRCh37 (hg19) VCF-style: chr19-12760794-CA-C.
Other names: c.2196del, p.Phe732fs (NM_001173498.2); short protein forms F732fs, F733fs.
Identifiers: ClinVar variation 1726262 (VCV001726262.2), dbSNP rs2512489649, ClinGen allele CA2580096687.